The following is an entry in ClinVar:

NM_015507.4(EGFL6):c.624G>T (p.Leu208=)

Gene: EGFL6 (EGF like domain multiple 6; plus strand). Cytogenetic location: Xp22.2.
Variant type: single nucleotide variant.
Coding change: c.624G>T on transcript NM_015507.4 (MANE Select); coding-DNA position 624, G replaced by T.
Protein change: p.Leu208=; no amino-acid change (leucine 208 retained).
Molecular consequence: synonymous variant.
Genome position (GRCh38, 1-based): chrX:13,606,482, G>T. VCF-style: chrX-13606482-G-T. GRCh37 (hg19) VCF-style: chrX-13624601-G-T.
Other names: c.624G>T, p.Leu208= (NM_001167890.2).
Identifiers: ClinVar variation 2660026 (VCV002660026.24), dbSNP rs2518535883, ClinGen allele CA515541305.

ClinVar aggregate classification (germline): Likely benign (1 of 4 stars; one submission).

Submission:

CeGaT Center for Human Genetics Tuebingen
Classification: Likely benign. Last evaluated: 2022-03-01. Review status: criteria provided, single submitter. Criteria: CeGaT Center For Human Genetics Tuebingen Variant Classification Criteria Version 2. Collection method: clinical testing. Allele origin: germline. Affected: yes. Observed: 1 variant allele.
Comment: EGFL6: BP4, BP7